The following is an entry in ClinVar:

ClinVar aggregate classification (germline): Uncertain significance (1 of 4 stars; one submission).

Conditions:
Cardiovascular phenotype. Identifiers: MedGen CN230736.

Submission:

Ambry Genetics
Classification: Uncertain significance for Cardiovascular phenotype. Last evaluated: 2022-01-31. Review status: criteria provided, single submitter. Criteria: Ambry Variant Classification Scheme 2023. Collection method: clinical testing. Allele origin: germline.
Comment: The p.N211Y variant (also known as c.631A>T), located in coding exon 5 of the MYH6 gene, results from an A to T substitution at nucleotide position 631. The asparagine at codon 211 is replaced by tyrosine, an amino acid with dissimilar properties. This amino acid position is not well conserved in available vertebrate species. In addition, this alteration is predicted to be tolerated by in silico analysis. Since supporting evidence is limited at this time, the clinical significance of this alteration remains unclear.

NM_002471.4(MYH6):c.631A>T (p.Asn211Tyr)

Genes: MYH6 (myosin heavy chain 6; minus strand), LOC114827851 (VISTA enhancer hs2155; plus strand). Cytogenetic location: 14q11.2.
Variant type: single nucleotide variant.
Coding change: c.631A>T on transcript NM_002471.4 (MANE Select); coding-DNA position 631, A replaced by T.
Protein change: p.Asn211Tyr; replaces asparagine 211 with tyrosine.
Molecular consequence: missense variant.
Genome position (GRCh38, 1-based): chr14:23,404,722, T>A on the plus strand (A>T on the coding strand, the complement: MYH6 is on the minus strand). VCF-style: chr14-23404722-T-A. GRCh37 (hg19) VCF-style: chr14-23873931-T-A.
Other names: short protein forms N211Y.
Identifiers: ClinVar variation 1752826 (VCV001752826.2), dbSNP rs2502205731, ClinGen allele CA389029353.